The following is an entry in ClinVar:

ClinVar aggregate classification (germline): Uncertain significance. Review status: criteria provided, multiple submitters, no conflicts (2 of 4 stars). 2 submissions from 2 submitters: Uncertain significance (2). Last evaluated 2022-05-04.

Conditions:
Wilson disease (WND). Also called: Wilson's disease. Identifiers: Orphanet 905, MedGen C0019202, MONDO:0010200, OMIM 277900. Disease mechanism: loss of function.

Allele frequency attached by ClinVar (database versions not stated): gnomAD 0.00001; TOPMed 0.00001.
gnomAD v4.1: 2 of 1,614,082 alleles (0.00012%); highest among the groups gnomAD compares: African/African-American, 0.0027%; no homozygotes.

Submissions (2):

Fulgent Genetics
Classification: Uncertain significance for Wilson disease. Last evaluated: 2022-05-04. Review status: criteria provided, single submitter. Criteria: ACMG Guidelines, 2015. Collection method: clinical testing. Allele origin: unknown.

Labcorp Genetics (formerly Invitae), Labcorp
Classification: Uncertain significance for Wilson disease. Last evaluated: 2022-03-08. Review status: criteria provided, single submitter. Criteria: Invitae Variant Classification Sherloc (09022015). Collection method: clinical testing. Allele origin: germline.
Comment: This variant has not been reported in the literature in individuals affected with ATP7B-related conditions. This variant is present in population databases (no rsID available, gnomAD 0.01%). This sequence change replaces leucine, which is neutral and non-polar, with methionine, which is neutral and non-polar, at codon 1430 of the ATP7B protein (p.Leu1430Met). Advanced modeling of protein sequence and biophysical properties (such as structural, functional, and spatial information, amino acid conservation, physicochemical variation, residue mobility, and thermodynamic stability) performed at Invitae indicates that this missense variant is not expected to disrupt ATP7B protein function. In summary, the available evidence is currently insufficient to determine the role of this variant in disease. Therefore, it has been classified as a Variant of Uncertain Significance.

NM_000053.4(ATP7B):c.4288C>A (p.Leu1430Met)

Gene: ATP7B (ATPase copper transporting beta; minus strand). Cytogenetic location: 13q14.3.
Variant type: single nucleotide variant.
Coding change: c.4288C>A on transcript NM_000053.4 (MANE Select); coding-DNA position 4288, C replaced by A.
Protein change: p.Leu1430Met; replaces leucine 1430 with methionine.
Molecular consequence: missense variant.
Genome position (GRCh38, 1-based): chr13:51,934,866, G>T on the plus strand (C>A on the coding strand, the complement: ATP7B is on the minus strand). VCF-style: chr13-51934866-G-T. GRCh37 (hg19) VCF-style: chr13-52509002-G-T.
Other names: c.3667C>A, p.Leu1223Met (NM_001005918.3); c.3955C>A, p.Leu1319Met (NM_001243182.2); c.4054C>A, p.Leu1352Met (NM_001330578.2); c.4036C>A, p.Leu1346Met (NM_001330579.2); short protein forms L1223M, L1346M, L1352M, L1319M, L1430M.
Identifiers: ClinVar variation 1414053 (VCV001414053.7), dbSNP rs899484304, ClinGen allele CA250071533.
Genomic context (GRCh38, chr13:51,934,866, plus strand): 5'-CCCCATCATCGTCTGCTGCAGCGCTGTGCCGAGATGGCTTGTCGGACGTCAGGGAGGACA[G>T]CGACACCTGGCTGACATAGCTGACCTGGTCCCATGGTGTGGCCCTGGGGGAGTCCCGCCA-3'
Protein context (NP_000044.2, residues 1420-1440): DQVSYVSQVS[Leu1430Met]SSLTSDKPSR